The following is an entry in ClinVar:

NM_000059.4(BRCA2):c.2701C>A (p.Leu901Ile)

Gene: BRCA2 (BRCA2 DNA repair associated; plus strand). Cytogenetic location: 13q13.1.
Variant type: single nucleotide variant.
Coding change: c.2701C>A on transcript NM_000059.4 (MANE Select); coding-DNA position 2701, C replaced by A.
Protein change: p.Leu901Ile; replaces leucine 901 with isoleucine.
Molecular consequence: missense variant.
Genome position (GRCh38, 1-based): chr13:32,337,056, C>A. VCF-style: chr13-32337056-C-A. GRCh37 (hg19) VCF-style: chr13-32911193-C-A.
Other names: short protein forms L901I.
Identifiers: ClinVar variation 966704 (VCV000966704.11), dbSNP rs2072463186, ClinGen allele CA387773498.

ClinVar aggregate classification (germline): Conflicting classifications of pathogenicity. Review status: criteria provided, conflicting classifications (1 of 4 stars). 2 submissions from 2 submitters: Uncertain significance (1); Likely benign (1). Last evaluated 2023-03-23.

Conditions:
Hereditary cancer-predisposing syndrome. Also called: Hereditary neoplastic syndrome; Neoplastic Syndromes, Hereditary; Hereditary Cancer Syndrome; Tumor predisposition. Identifiers: Orphanet 140162, MedGen C0027672, MeSH D009386, MONDO:0015356.
Hereditary breast ovarian cancer syndrome. Also called: Hereditary breast and ovarian cancer; Hereditary breast and/or ovarian cancer syndrome; Hereditary breast and ovarian cancer syndrome; Hereditary breast and ovarian cancer syndrome (HBOC); Breast and ovarian cancer; BRCA1- and BRCA2-Associated Hereditary Breast and Ovarian Cancer. Identifiers: Orphanet 145, MedGen C0677776, MeSH D061325, MONDO:0003582. Disease mechanism: loss of function.

Submissions (2):

University of Washington Department of Laboratory Medicine, University of Washington
Classification: Likely benign for Hereditary cancer-predisposing syndrome. Last evaluated: 2023-03-23. Review status: criteria provided, single submitter. Criteria: Dines et al. (Genet Med. 2020). Collection method: curation. Allele origin: germline.
Comment: Missense variant in a coldspot region where missense variants are very unlikely to be pathogenic (PMID:31911673).

BRCA2 exon 11 coldspot. Reclassification based on statistical prior probability.

Labcorp Genetics (formerly Invitae), Labcorp
Classification: Uncertain significance for Hereditary breast ovarian cancer syndrome. Last evaluated: 2019-11-11. Review status: criteria provided, single submitter. Criteria: Invitae Variant Classification Sherloc (09022015). Collection method: clinical testing. Allele origin: germline.
Comment: In summary, the available evidence is currently insufficient to determine the role of this variant in disease. Therefore, it has been classified as a Variant of Uncertain Significance. Algorithms developed to predict the effect of missense changes on protein structure and function (SIFT, PolyPhen-2, Align-GVGD) all suggest that this variant is likely to be tolerated, but these predictions have not been confirmed by published functional studies and their clinical significance is uncertain. This variant has not been reported in the literature in individuals with BRCA2-related conditions. This variant is not present in population databases (ExAC no frequency). This sequence change replaces leucine with isoleucine at codon 901 of the BRCA2 protein (p.Leu901Ile). The leucine residue is weakly conserved and there is a small physicochemical difference between leucine and isoleucine.